The following is an entry in ClinVar:

ClinVar aggregate classification (germline): Uncertain significance (1 of 4 stars; one submission).

Submission:

GeneDx
Classification: Uncertain significance. Last evaluated: 2025-07-30. Review status: criteria provided, single submitter. Criteria: GeneDx Variant Classification Process June 2021. Collection method: clinical testing. Allele origin: germline.
Comment: Canonical splice site variant with an unclear effect on protein function; Not observed at significant frequency in large population cohorts (gnomAD); Has not been previously published as pathogenic or benign to our knowledge

NM_001382241.1(TNPO2):c.2210-2A>G

Gene: TNPO2 (transportin 2; minus strand). Cytogenetic location: 19p13.13.
Variant type: single nucleotide variant.
Coding change: c.2210-2A>G on transcript NM_001382241.1 (MANE Select); the canonical splice acceptor site of the intron before coding-DNA position 2210, A replaced by G.
Molecular consequence: splice acceptor variant. On other transcripts: intron variant (1).
Genome position (GRCh38, 1-based): chr19:12,702,920, T>C on the plus strand (A>G on the coding strand, the complement: TNPO2 is on the minus strand). VCF-style: chr19-12702920-T-C. GRCh37 (hg19) VCF-style: chr19-12813734-T-C.
Other names: c.2210-2A>G (NM_001382237.1, NM_001382240.1, NM_001382238.1 and 6 more transcripts); c.2210-8A>G (NM_001382243.1).
Identifiers: ClinVar variation 3573625 (VCV003573625.2).